The following is an entry in ClinVar:

ClinVar aggregate classification (germline): Uncertain significance (1 of 4 stars; one submission).

Conditions:
Bethlem myopathy 1A. Also called: MYOPATHY, BENIGN CONGENITAL, WITH CONTRACTURES; Bethlem myopathy 1; Bethlem Muscular Dystrophy. Identifiers: Orphanet 610, MedGen CN029274, MONDO:0024530, OMIM 158810.

Submission:

Labcorp Genetics (formerly Invitae), Labcorp
Classification: Uncertain significance for Bethlem myopathy 1A. Last evaluated: 2022-02-08. Review status: criteria provided, single submitter. Criteria: Invitae Variant Classification Sherloc (09022015). Collection method: clinical testing. Allele origin: germline.
Comment: In summary, the available evidence is currently insufficient to determine the role of this variant in disease. Therefore, it has been classified as a Variant of Uncertain Significance. Advanced modeling of protein sequence and biophysical properties (such as structural, functional, and spatial information, amino acid conservation, physicochemical variation, residue mobility, and thermodynamic stability) performed at Invitae indicates that this missense variant is not expected to disrupt COL6A3 protein function. This variant has not been reported in the literature in individuals affected with COL6A3-related conditions. This variant is not present in population databases (gnomAD no frequency). This sequence change replaces proline, which is neutral and non-polar, with leucine, which is neutral and non-polar, at codon 2817 of the COL6A3 protein (p.Pro2817Leu).

NM_004369.4(COL6A3):c.8450C>T (p.Pro2817Leu)

Gene: COL6A3 (collagen type VI alpha 3 chain; minus strand). Cytogenetic location: 2q37.3.
Variant type: single nucleotide variant.
Coding change: c.8450C>T on transcript NM_004369.4 (MANE Select); coding-DNA position 8450, C replaced by T.
Protein change: p.Pro2817Leu; replaces proline 2817 with leucine.
Molecular consequence: missense variant.
Genome position (GRCh38, 1-based): chr2:237,340,466, G>A on the plus strand (C>T on the coding strand, the complement: COL6A3 is on the minus strand). VCF-style: chr2-237340466-G-A. GRCh37 (hg19) VCF-style: chr2-238249109-G-A.
Other names: c.6629C>T, p.Pro2210Leu (NM_057166.5); c.7832C>T, p.Pro2611Leu (NM_057167.4); short protein forms P2210L, P2817L, P2611L.
Identifiers: ClinVar variation 2082806 (VCV002082806.4), dbSNP rs2469803930, ClinGen allele CA351194230.